The following is an entry in ClinVar:

NM_003560.4(PLA2G6):c.238G>A (p.Ala80Thr)

Gene: PLA2G6 (phospholipase A2 group VI; minus strand). Cytogenetic location: 22q13.1.
Variant type: single nucleotide variant.
Coding change: c.238G>A on transcript NM_003560.4 (MANE Select); coding-DNA position 238, G replaced by A.
Protein change: p.Ala80Thr; replaces alanine 80 with threonine.
Molecular consequence: missense variant. On other transcripts: 5 prime UTR variant (3).
Genome position (GRCh38, 1-based): chr22:38,145,625, C>T on the plus strand (G>A on the coding strand, the complement: PLA2G6 is on the minus strand). VCF-style: chr22-38145625-C-T. GRCh37 (hg19) VCF-style: chr22-38541632-C-T.
Other names: NM_003560.4(PLA2G6):c.238G>A; p.Ala80Thr; c.238G>A, p.Ala80Thr (NM_001004426.3, NM_001199562.3, NM_001349864.2 and 2 more transcripts); c.-297G>A (NM_001349867.2, NM_001349869.2); c.-253G>A (NM_001349868.2); short protein forms A80T.
Identifiers: ClinVar variation 6202 (VCV000006202.20), dbSNP rs121908685, ClinGen allele CA253795.

ClinVar aggregate classification (germline): Pathogenic/Likely pathogenic. Review status: criteria provided, multiple submitters, no conflicts (2 of 4 stars). 7 submissions from 7 submitters: Pathogenic (5); Likely pathogenic (1). 1 of the submissions does not count toward it. Last evaluated 2026-09-10.

Conditions:
PLA2G6-associated neurodegeneration (PLAN). Also called: phospholipase A2-associated neurodegeneration. Identifiers: Orphanet 329303, MedGen CN204472, MONDO:0017998.
Infantile neuroaxonal dystrophy (NBIA2A). Also called: Infantile neuroaxonal dystrophy 1; NEURODEGENERATION WITH BRAIN IRON ACCUMULATION 2A; SEITELBERGER DISEASE. Identifiers: Orphanet 35069, MedGen C0270724, MONDO:0024457, OMIM 256600.
Neurodegeneration with brain iron accumulation 2B. Also called: NEUROAXONAL DYSTROPHY, ATYPICAL; NEURODEGENERATION WITH BRAIN IRON ACCUMULATION, PLA2G6-RELATED; aNAD; atypical Neuroaxonal Dystrophy (aNAD). Identifiers: Orphanet 35069, MedGen C1857747, MONDO:0012444, OMIM 610217.
Autosomal recessive Parkinson disease 14. Also called: PARKINSON DISEASE 14; DYSTONIA-PARKINSONISM, ADULT-ONSET. Identifiers: Orphanet 199351, MedGen C2751842, MONDO:0013060, OMIM 612953.

Allele frequency attached by ClinVar (database versions not stated): ExAC 0.00001; 1000 Genomes Project 30x 0.00016; gnomAD exomes 0.00001; 1000 Genomes Project 0.00020.

Submissions (7):

GeneDx
Classification: Pathogenic. Last evaluated: 2026-09-10. Review status: criteria provided, single submitter. Criteria: GeneDx Variant Classification Process June 2021. Collection method: clinical testing. Allele origin: germline.
Comment: Reported previously in the compound heterozygous state in siblings with difficulties walking, pyramidal signs, hypertonia in lower limbs, intellectual disability, and cerebellar atrophy (PMID: 35911906); Published functional studies demonstrate a damaging effect, as A80T fails to restore wild type protein function and results in significant deficits in neurological function in flies (PMID: 31548400); In silico analysis supports that this missense variant has a deleterious effect on protein structure/function; Not observed at significant frequency in large population cohorts (gnomAD); This variant is associated with the following publications: (PMID: 22934738, 18799783, 19138334, 16783378, 26755131, 34622992, 37403138, 36879366, 27196560, 38699051, 32613234, 30772976, 42158583, 40360258, 31548400, 35911906)

Labcorp Genetics (formerly Invitae), Labcorp
Classification: Pathogenic for Infantile neuroaxonal dystrophy. Last evaluated: 2025-10-28. Review status: criteria provided, single submitter. Criteria: Invitae Variant Classification Sherloc (09022015). Collection method: clinical testing. Allele origin: germline.
Comment: This sequence change replaces alanine, which is neutral and non-polar, with threonine, which is neutral and polar, at codon 80 of the PLA2G6 protein (p.Ala80Thr). This variant is present in population databases (rs121908685, gnomAD 0.006%). This missense change has been observed in individuals with clinical features of PLA2G6-related conditions (PMID: 16783378, 22934738, 30772976, 34622992). It has also been observed to segregate with disease in related individuals. ClinVar contains an entry for this variant (Variation ID: 6202). Invitae Evidence Modeling of protein sequence and biophysical properties (such as structural, functional, and spatial information, amino acid conservation, physicochemical variation, residue mobility, and thermodynamic stability) indicates that this missense variant is expected to disrupt PLA2G6 protein function with a positive predictive value of 80%. Experimental studies have shown that this missense change does not substantially affect PLA2G6 function (PMID: 26755131). For these reasons, this variant has been classified as Pathogenic.

Fulgent Genetics
Classification: Pathogenic for Infantile neuroaxonal dystrophy; Neurodegeneration with brain iron accumulation 2B; Autosomal recessive Parkinson disease 14. Last evaluated: 2024-06-24. Review status: criteria provided, single submitter. Criteria: ACMG Guidelines, 2015. Collection method: clinical testing. Allele origin: germline.

Mayo Clinic Laboratories, Mayo Clinic
Classification: Pathogenic for Neurodegeneration with brain iron accumulation 2B; Autosomal recessive Parkinson disease 14; Infantile neuroaxonal dystrophy. Last evaluated: 2023-05-30. Review status: criteria provided, single submitter. Criteria: ACMG Guidelines, 2015. Collection method: clinical testing. Allele origin: paternal.
Comment: PM3_Strong, PS3_Moderate, PP1_Moderate, PM2

Broad Center for Mendelian Genomics, Broad Institute of MIT and Harvard
Classification: Likely pathogenic for PLA2G6-associated neurodegeneration. Last evaluated: 2023-01-24. Review status: criteria provided, single submitter. Criteria: ACMG Guidelines, 2015. Collection method: curation. Allele origin: germline. Inheritance: Autosomal recessive inheritance.
Comment: The p.Ala80Thr variant in PLA2G6 has been reported in 5 individuals with PLA2G6-associated neurodegeneration (PMID: 16783378, 19138334, 27196560, 30772976, 34622992), segregated with disease in 2 individuals from 1 family (PMID: 30772976), and has been identified in 0.005% (1/18286) of East Asian chromosomes by the Genome Aggregation Database (gnomAD; dbSNP ID: rs121908685). Although this variant has been seen in the general population in a heterozygous state, its frequency is low enough to be consistent with a recessive carrier frequency. This variant has also been reported in ClinVar (Variation ID#: 6202) and has been interpreted as pathogenic by GeneDx and OMIM and as a variant of uncertain significance by Mayo Clinic Laboratories (Mayo Clinic) and Invitae. Of the 5 affected individuals, 1 of those was a homozygote, and 1 was a compound heterozygote that carried a reported pathogenic variant in trans, which increases the likelihood that the p.Ala80Thr variant is pathogenic (VariationID: 30371; PMID: 27196560, 30772976). In vitro functional studies provide some evidence that the p.Ala80Thr variant may slightly impact protein function (PMID: 31548400). However, these types of assays may not accurately represent biological function. Computational prediction tools and conservation analyses do not provide strong support for or against an impact to the protein. In summary, although additional studies are required to fully establish its clinical significance, this variant is likely pathogenic for autosomal recessive PLA2G6-associated neurodegeneration. ACMG/AMP Criteria applied: PM2_supporting, PP1, PM3_strong, PS3_supporting (Richards 2015).

Juno Genomics, Hangzhou Juno Genomics, Inc
Classification: Pathogenic for Infantile neuroaxonal dystrophy; Neurodegeneration with brain iron accumulation 2B; Autosomal recessive Parkinson disease 14. Review status: criteria provided, single submitter. Criteria: ACMG Guidelines, 2015. Collection method: clinical testing. Allele origin: germline. Affected: yes.
Comment: Absent from controls (or at extremely low frequency if recessive) in Genome Aggregation Database, Exome Sequencing Project, 1000 Genomes Project, or Exome Aggregation Consortium.;For recessive disorders, detected in trans with a pathogenic variant.;Co-segregation with disease in multiple affected family members in a gene definitively known to cause the disease.;Patient's phenotype or family history is highly specific for a disease with a single genetic etiology.

OMIM
Classification: Pathogenic for NEURODEGENERATION WITH BRAIN IRON ACCUMULATION 2B. Last evaluated: 2008-10-28. Review status: no assertion criteria provided. Collection method: literature only. Allele origin: germline. Not counted in ClinVar's aggregate classification.

Literature cited by the submitters: PubMed 16783378 (cited by Labcorp Genetics (formerly Invitae), Labcorp); PubMed 22934738 (cited by Labcorp Genetics (formerly Invitae), Labcorp); PubMed 30772976 (cited by Labcorp Genetics (formerly Invitae), Labcorp); PubMed 34622992 (cited by Labcorp Genetics (formerly Invitae), Labcorp); PubMed 26755131 (cited by Labcorp Genetics (formerly Invitae), Labcorp and Broad Center for Mendelian Genomics, Broad Institute of MIT and Harvard); PubMed 31548400 (cited by Broad Center for Mendelian Genomics, Broad Institute of MIT and Harvard); PubMed 18799783 (cited by OMIM).